The following is an entry in ClinVar:

NM_005045.4(RELN):c.232A>G (p.Ile78Val)

Gene: RELN (reelin; minus strand). Cytogenetic location: 7q22.1.
Variant type: single nucleotide variant.
Coding change: c.232A>G on transcript NM_005045.4 (MANE Select); coding-DNA position 232, A replaced by G.
Protein change: p.Ile78Val; replaces isoleucine 78 with valine.
Molecular consequence: missense variant.
Genome position (GRCh38, 1-based): chr7:103,917,180, T>C on the plus strand (A>G on the coding strand, the complement: RELN is on the minus strand). VCF-style: chr7-103917180-T-C. GRCh37 (hg19) VCF-style: chr7-103557627-T-C.
Other names: c.232A>G, p.Ile78Val (NM_173054.3); short protein forms I78V.
Identifiers: ClinVar variation 859206 (VCV000859206.9), dbSNP rs768499951, ClinGen allele CA4422646.

ClinVar aggregate classification (germline): Uncertain significance (1 of 4 stars; one submission).

Conditions:
Norman-Roberts syndrome (LIS2). Also called: Lissencephaly 2 (Norman-Roberts type). Identifiers: Orphanet 89844, MedGen C0796089, MONDO:0009760, OMIM 257320.
Familial temporal lobe epilepsy 7. Identifiers: Orphanet 101046, MedGen C4225327, MONDO:0014639, OMIM 616436.

Allele frequency attached by ClinVar (database versions not stated): gnomAD exomes below 0.00001; TOPMed below 0.00001; ExAC 0.00001; gnomAD 0.00001.
gnomAD v4.1: 3 of 1,612,468 alleles (0.00019%); highest among the groups gnomAD compares: Admixed American, 0.005%; no homozygotes.

Submission:

Labcorp Genetics (formerly Invitae), Labcorp
Classification: Uncertain significance for Familial temporal lobe epilepsy 7; Norman-Roberts syndrome. Last evaluated: 2025-10-01. Review status: criteria provided, single submitter. Criteria: Invitae Variant Classification Sherloc (09022015). Collection method: clinical testing. Allele origin: germline.
Comment: This sequence change replaces isoleucine, which is neutral and non-polar, with valine, which is neutral and non-polar, at codon 78 of the RELN protein (p.Ile78Val). This variant is present in population databases (rs768499951, gnomAD 0.003%). This variant has not been reported in the literature in individuals affected with RELN-related conditions. ClinVar contains an entry for this variant (Variation ID: 859206). Invitae Evidence Modeling of protein sequence and biophysical properties (such as structural, functional, and spatial information, amino acid conservation, physicochemical variation, residue mobility, and thermodynamic stability) indicates that this missense variant is not expected to disrupt RELN protein function with a negative predictive value of 80%. In summary, the available evidence is currently insufficient to determine the role of this variant in disease. Therefore, it has been classified as a Variant of Uncertain Significance.